The following is an entry in ClinVar:

NM_004360.5(CDH1):c.236C>T (p.Thr79Ile)

Gene: CDH1 (cadherin 1; plus strand). Cytogenetic location: 16q22.1.
Variant type: single nucleotide variant.
Coding change: c.236C>T on transcript NM_004360.5 (MANE Select); coding-DNA position 236, C replaced by T.
Protein change: p.Thr79Ile; replaces threonine 79 with isoleucine.
Molecular consequence: missense variant. On other transcripts: 5 prime UTR variant (2).
Genome position (GRCh38, 1-based): chr16:68,801,742, C>T. VCF-style: chr16-68801742-C-T. GRCh37 (hg19) VCF-style: chr16-68835645-C-T.
Other names: c.236C>T, p.Thr79Ile (NM_001317184.2); c.-1380C>T (NM_001317185.2); c.-1584C>T (NM_001317186.2); short protein forms T79I.
Identifiers: ClinVar variation 3779026 (VCV003779026.2).
Genomic context (GRCh38, chr16:68,801,742, plus strand): 5'-ATTGCACCGGTCGACAAAGGACAGCCTATTTTTCCCTCGACACCCGATTCAAAGTGGGCA[C>T]AGATGGTGTGATTACAGTCAAAAGGCCTCTACGGTTTCATAACCCACAGATCCATTTCTT-3'
Protein context (NP_004351.1, residues 69-89): FSLDTRFKVG[Thr79Ile]DGVITVKRPL

ClinVar aggregate classification (germline): Uncertain significance. Review status: criteria provided, multiple submitters, no conflicts (2 of 4 stars). 2 submissions from 2 submitters: Uncertain significance (2). Last evaluated 2026-07-06.

Conditions:
Hereditary cancer-predisposing syndrome. Also called: Tumor predisposition; Hereditary neoplastic syndrome; Hereditary Cancer Syndrome; Neoplastic Syndromes, Hereditary. Identifiers: Orphanet 140162, MedGen C0027672, MeSH D009386, MONDO:0015356.
CDH1-related diffuse gastric and lobular breast cancer syndrome. Also called: CDH1-related diffuse gastric and lobular breast cancer. Identifiers: MedGen CN311521, MONDO:0100488.

Submissions (2):

Ambry Genetics
Classification: Uncertain significance for Hereditary cancer-predisposing syndrome. Last evaluated: 2026-07-06. Review status: criteria provided, single submitter. Criteria: Ambry Variant Classification Scheme 2023. Collection method: clinical testing. Allele origin: germline.
Comment: The p.T79I variant (also known as c.236C>T), located in coding exon 3 of the CDH1 gene, results from a C to T substitution at nucleotide position 236. The threonine at codon 79 is replaced by isoleucine, an amino acid with similar properties. This amino acid position is conserved. In addition, this alteration is predicted to be tolerated by in silico analysis. Based on the available evidence, the clinical significance of this variant remains unclear.

Department of Pathology and Laboratory Medicine, Sinai Health System
Classification: Uncertain significance for CDH1-related diffuse gastric and lobular breast cancer syndrome. Last evaluated: 2023-11-06. Review status: criteria provided, single submitter. Criteria: ACMG Guidelines, 2015. Collection method: clinical testing. Allele origin: germline. Affected: no.